The following is an entry in ClinVar:

NM_022124.6(CDH23):c.5455_5457del (p.Leu1819del)

Gene: CDH23 (cadherin related 23; plus strand). Cytogenetic location: 10q22.1.
Variant type: Deletion.
Coding change: c.5455_5457del on transcript NM_022124.6 (MANE Select); coding-DNA positions 5455 to 5457, 3 bases deleted (CTG; older notation c.5455_5457delCTG).
Protein change: p.Leu1819del; deletes leucine 1819.
Molecular consequence: inframe deletion.
Genome position (GRCh38, 1-based): chr10:71,784,373-71,784,375, CTG deleted. VCF-style (leftmost placement, unchanged base first): chr10-71784372-CCTG-C. GRCh37 (hg19) VCF-style: chr10-73544129-CCTG-C.
Other names: short protein forms L1819del.
Identifiers: ClinVar variation 2023890 (VCV002023890.4), dbSNP rs2494357164, ClinGen allele CA2580082135.
Genomic context (GRCh38, chr10:71,784,372, plus strand): 5'-GGGGGTGCTAAGGGTCCGGAAGGACGTGGAGCTGGACCGGGAGACCATCGCCTTCTACAA[CCTG>C]ACCATCTGTGCCCGTGACCGGGGGATGCCCCCACTCAGCTCCACAGTGAGTCTGGGGGCC-3'

ClinVar aggregate classification (germline): Uncertain significance (1 of 4 stars; one submission).

Submission:

Labcorp Genetics (formerly Invitae), Labcorp
Classification: Uncertain significance. Last evaluated: 2022-08-12. Review status: criteria provided, single submitter. Criteria: Invitae Variant Classification Sherloc (09022015). Collection method: clinical testing. Allele origin: germline.
Comment: In summary, the available evidence is currently insufficient to determine the role of this variant in disease. Therefore, it has been classified as a Variant of Uncertain Significance. Experimental studies and prediction algorithms are not available or were not evaluated, and the functional significance of this variant is currently unknown. This variant has been observed in individual(s) with Usher syndrome (Invitae). This variant is not present in population databases (gnomAD no frequency). This variant, c.5455_5457del, results in the deletion of 1 amino acid(s) of the CDH23 protein (p.Leu1819del), but otherwise preserves the integrity of the reading frame.